The following is an entry in ClinVar:

ClinVar aggregate classification (germline): Uncertain significance. Review status: criteria provided, multiple submitters, no conflicts (2 of 4 stars). 3 submissions from 3 submitters: Uncertain significance (3). Last evaluated 2025-04-10.

Conditions:
Hereditary cancer-predisposing syndrome. Also called: Neoplastic Syndromes, Hereditary; Tumor predisposition; Hereditary Cancer Syndrome; Hereditary neoplastic syndrome. Identifiers: Orphanet 140162, MedGen C0027672, MeSH D009386, MONDO:0015356.
Familial adenomatous polyposis 1 (FAP1). Also called: FAMILIAL ADENOMATOUS POLYPOSIS 1, ATTENUATED; POLYPOSIS, ADENOMATOUS INTESTINAL. Identifiers: MedGen C2713442, MONDO:0021056, OMIM 175100. Disease mechanism: loss of function.

Submissions (3):

Labcorp Genetics (formerly Invitae), Labcorp
Classification: Uncertain significance for Familial adenomatous polyposis 1. Last evaluated: 2025-04-10. Review status: criteria provided, single submitter. Criteria: Invitae Variant Classification Sherloc (09022015). Collection method: clinical testing. Allele origin: germline.
Comment: This sequence change replaces leucine, which is neutral and non-polar, with valine, which is neutral and non-polar, at codon 407 of the APC protein (p.Leu407Val). This variant is not present in population databases (gnomAD no frequency). This variant has not been reported in the literature in individuals affected with APC-related conditions. ClinVar contains an entry for this variant (Variation ID: 482471). Invitae Evidence Modeling of protein sequence and biophysical properties (such as structural, functional, and spatial information, amino acid conservation, physicochemical variation, residue mobility, and thermodynamic stability) indicates that this missense variant is not expected to disrupt APC protein function with a negative predictive value of 95%. In summary, the available evidence is currently insufficient to determine the role of this variant in disease. Therefore, it has been classified as a Variant of Uncertain Significance.

Color Diagnostics, LLC DBA Color Health
Classification: Uncertain significance for Hereditary cancer-predisposing syndrome. Last evaluated: 2023-12-04. Review status: criteria provided, single submitter. Criteria: ACMG Guidelines, 2015. Collection method: clinical testing. Allele origin: germline.
Comment: This missense variant replaces leucine with valine at codon 407 of the APC protein. Computational prediction suggests that this variant may not impact protein structure and function (internally defined REVEL score threshold <= 0.5, PMID: 27666373). To our knowledge, functional studies have not been reported for this variant. This variant has not been reported in individuals affected with APC-related disorders in the literature. This variant has not been identified in the general population by the Genome Aggregation Database (gnomAD). The available evidence is insufficient to determine the role of this variant in disease conclusively. Therefore, this variant is classified as a Variant of Uncertain Significance.

Ambry Genetics
Classification: Uncertain significance for Hereditary cancer-predisposing syndrome. Last evaluated: 2022-12-09. Review status: criteria provided, single submitter. Criteria: Ambry Variant Classification Scheme 2023. Collection method: clinical testing. Allele origin: germline.
Comment: The p.L407V variant (also known as c.1219C>G), located in coding exon 9 of the APC gene, results from a C to G substitution at nucleotide position 1219. The leucine at codon 407 is replaced by valine, an amino acid with highly similar properties. This amino acid position is highly conserved in available vertebrate species. In addition, in silico predictors for this gene do not accurately predict pathogenicity. Since supporting evidence is limited at this time, the clinical significance of this alteration remains unclear.

NM_000038.6(APC):c.1219C>G (p.Leu407Val)

Gene: APC (APC regulator of Wnt signaling pathway; plus strand). Cytogenetic location: 5q22.2.
Variant type: single nucleotide variant.
Coding change: c.1219C>G on transcript NM_000038.6 (MANE Select); coding-DNA position 1219, C replaced by G.
Protein change: p.Leu407Val; replaces leucine 407 with valine.
Molecular consequence: missense variant. On other transcripts: intron variant (4).
Genome position (GRCh38, 1-based): chr5:112,819,251, C>G. VCF-style: chr5-112819251-C-G. GRCh37 (hg19) VCF-style: chr5-112154948-C-G.
Other names: c.1219C>G, p.Leu407Val (NM_001127510.3, NM_001354895.2, NM_001354896.2); c.1165C>G, p.Leu389Val (NM_001127511.3); c.1249C>G, p.Leu417Val (NM_001354897.2); c.1144C>G, p.Leu382Val (NM_001354898.2); c.1135C>G, p.Leu379Val (NM_001354899.2); c.1042C>G, p.Leu348Val (NM_001354900.2, NM_001354901.2); c.370C>G, p.Leu124Val (NM_001354906.2); c.964-18C>G (NM_001354902.2); and 3 more; short protein forms L407V, L389V, L124V, L348V, L382V, L379V, L417V.
Identifiers: ClinVar variation 482471 (VCV000482471.20), dbSNP rs1554080075, ClinGen allele CA16023969.
Genomic context (GRCh38, chr5:112,819,251, plus strand): 5'-CTCCACAACATCATTCACTCACAGCCTGATGACAAGAGAGGCAGGCGTGAAATCCGAGTC[C>G]TTCATCTTTTGGAACAGATACGCGCTTACTGTGAAACCTGTTGGGAGTGGCAGGAAGCTC-3'
Protein context (NP_000029.2, residues 397-417): DKRGRREIRV[Leu407Val]HLLEQIRAYC